The following is an entry in ClinVar:

ClinVar aggregate classification (germline): Uncertain significance (1 of 4 stars; one submission).

Conditions:
Spastic paraplegia. Identifiers: MedGen C0037772, HP:0001258.

Allele frequency attached by ClinVar (database versions not stated): gnomAD 0.00004; TOPMed 0.00006; gnomAD exomes 0.00014; ExAC 0.00017.

Submission:

Labcorp Genetics (formerly Invitae), Labcorp
Classification: Uncertain significance for Spastic paraplegia. Last evaluated: 2024-06-16. Review status: criteria provided, single submitter. Criteria: Invitae Variant Classification Sherloc (09022015). Collection method: clinical testing. Allele origin: germline.
Comment: This sequence change replaces arginine, which is basic and polar, with tryptophan, which is neutral and slightly polar, at codon 97 of the ARSI protein (p.Arg97Trp). This variant is present in population databases (rs199972086, gnomAD 0.04%). This variant has not been reported in the literature in individuals affected with ARSI-related conditions. Advanced modeling of protein sequence and biophysical properties (such as structural, functional, and spatial information, amino acid conservation, physicochemical variation, residue mobility, and thermodynamic stability) performed at Invitae indicates that this missense variant is expected to disrupt ARSI protein function with a positive predictive value of 80%. In summary, the available evidence is currently insufficient to determine the role of this variant in disease. Therefore, it has been classified as a Variant of Uncertain Significance.

NM_001012301.4(ARSI):c.289C>T (p.Arg97Trp)

Gene: ARSI (arylsulfatase family member I; minus strand). Cytogenetic location: 5q32.
Variant type: single nucleotide variant.
Coding change: c.289C>T on transcript NM_001012301.4 (MANE Select); coding-DNA position 289, C replaced by T.
Protein change: p.Arg97Trp; replaces arginine 97 with tryptophan.
Molecular consequence: missense variant.
Genome position (GRCh38, 1-based): chr5:150,302,085, G>A on the plus strand (C>T on the coding strand, the complement: ARSI is on the minus strand). VCF-style: chr5-150302085-G-A. GRCh37 (hg19) VCF-style: chr5-149681648-G-A.
Other names: short protein forms R97W.
Identifiers: ClinVar variation 2859402 (VCV002859402.3), dbSNP rs199972086, ClinGen allele CA3510375.